The following is an entry in ClinVar:

ClinVar aggregate classification (germline): Uncertain significance. Review status: criteria provided, multiple submitters, no conflicts (2 of 4 stars). 4 submissions from 4 submitters: Uncertain significance (3). 1 of the submissions does not count toward it. Last evaluated 2024-04-20.

Conditions:
Temtamy syndrome (TEMTYS). Also called: MENTAL RETARDATION WITH OR WITHOUT CRANIOFACIAL DYSMORPHISM, OCULAR COLOBOMA, OR ABNORMAL CORPUS CALLOSUM. Identifiers: Orphanet 1777, MedGen C1857512, MONDO:0009033, OMIM 218340.
Inborn genetic diseases. Identifiers: MedGen C0950123, MeSH D030342.
C12orf57-related disorder. Also called: C12orf57-related condition.

Allele frequency attached by ClinVar (database versions not stated): TOPMed 0.00007.
gnomAD v4.1: 89 of 1,614,100 alleles (0.0055%); highest among the groups gnomAD compares: Middle Eastern, 0.016%; 1 homozygote.

Submissions (4):

GeneDx
Classification: Uncertain significance. Last evaluated: 2024-04-20. Review status: criteria provided, single submitter. Criteria: GeneDx Variant Classification Process June 2021. Collection method: clinical testing. Allele origin: germline. Affected: yes.
Comment: Not observed at significant frequency in large population cohorts (gnomAD); In silico analysis indicates that this missense variant does not alter protein structure/function; Has not been previously published as pathogenic or benign to our knowledge

Labcorp Genetics (formerly Invitae), Labcorp
Classification: Uncertain significance for Temtamy syndrome. Last evaluated: 2022-08-04. Review status: criteria provided, single submitter. Criteria: Invitae Variant Classification Sherloc (09022015). Collection method: clinical testing. Allele origin: germline.
Comment: This sequence change replaces serine, which is neutral and polar, with asparagine, which is neutral and polar, at codon 12 of the C12orf57 protein (p.Ser12Asn). This variant is present in population databases (rs148483779, gnomAD 0.01%). This variant has not been reported in the literature in individuals affected with C12orf57-related conditions. ClinVar contains an entry for this variant (Variation ID: 972195). Algorithms developed to predict the effect of missense changes on protein structure and function (SIFT, PolyPhen-2, Align-GVGD) all suggest that this variant is likely to be tolerated. In summary, the available evidence is currently insufficient to determine the role of this variant in disease. Therefore, it has been classified as a Variant of Uncertain Significance.

Ambry Genetics
Classification: Uncertain significance for Inborn genetic diseases. Last evaluated: 2022-03-25. Review status: criteria provided, single submitter. Criteria: Ambry Variant Classification Scheme 2023. Collection method: clinical testing. Allele origin: germline.
Comment: The c.35G>A (p.S12N) alteration is located in exon 1 (coding exon 1) of the C12orf57 gene. This alteration results from a G to A substitution at nucleotide position 35, causing the serine (S) at amino acid position 12 to be replaced by an asparagine (N). Based on data from gnomAD, the A allele has an overall frequency of <0.01% (14/282848) total alleles studied. The highest observed frequency was 0.01% (4/35440) of Latino alleles. This amino acid position is well conserved in available vertebrate species. This alteration is predicted to be tolerated by in silico analysis. Based on insufficient or conflicting evidence, the clinical significance of this alteration remains unclear.

PreventionGenetics, part of Exact Sciences
Classification: Uncertain significance for C12orf57-related condition. Last evaluated: 2024-03-16. Review status: no assertion criteria provided. Collection method: clinical testing. Allele origin: germline. Not counted in ClinVar's aggregate classification.
Comment: The C12orf57 c.35G>A variant is predicted to result in the amino acid substitution p.Ser12Asn. To our knowledge, this variant has not been reported in the literature. This variant is reported in 0.011% of alleles in individuals of Latino descent in gnomAD. At this time, the clinical significance of this variant is uncertain due to the absence of conclusive functional and genetic evidence.

NM_138425.4(C12orf57):c.35G>A (p.Ser12Asn)

Gene: C12orf57 (chromosome 12 open reading frame 57; plus strand). Cytogenetic location: 12p13.31.
Variant type: single nucleotide variant.
Coding change: c.35G>A on transcript NM_138425.4 (MANE Select); coding-DNA position 35, G replaced by A.
Protein change: p.Ser12Asn; replaces serine 12 with asparagine.
Molecular consequence: missense variant. On other transcripts: 5 prime UTR variant (1), non-coding transcript variant (1), intron variant (1).
Genome position (GRCh38, 1-based): chr12:6,944,156, G>A. VCF-style: chr12-6944156-G-A. GRCh37 (hg19) VCF-style: chr12-7053319-G-A.
Other names: c.35G>A, p.Ser12Asn (NM_001301834.1, NM_001301837.2); c.-167G>A (NM_001301838.2); c.14-320G>A (NM_001301836.2); c.35G>A (NM_138425.2); short protein forms S12N.
Identifiers: ClinVar variation 972195 (VCV000972195.7), dbSNP rs148483779, ClinGen allele CA6421188.